The following is an entry in ClinVar:

ClinVar aggregate classification (germline): Pathogenic (0 of 4 stars; one submission).

Conditions:
BLOOD GROUP--LUTHERAN INHIBITOR (INLU). Also called: DOMINANT LU (a-b-) PHENOTYPE. Identifiers: MedGen C1292231, OMIM 111150.
Anemia, congenital dyserythropoietic, type IVa. Also called: Congenital dyserythropoietic anemia, type IV; Congenital dyserythropoietic anemia type 4; CDA, TYPE IVa. Identifiers: Orphanet 293825, MedGen C3150926, MONDO:0013355, OMIM 613673.
FETAL HEMOGLOBIN QUANTITATIVE TRAIT LOCUS 6 (HBFQTL6). Also called: HEREDITARY PERSISTENCE OF FETAL HEMOGLOBIN, KLF1-RELATED. Identifiers: Orphanet 251380, MedGen C3150805, OMIM 613566.

Allele frequency attached by ClinVar (database versions not stated): TOPMed below 0.00001.

Submission:

Department of Medical Genetics, Oslo University Hospital
Classification: Pathogenic for ANEMIA, DYSERYTHROPOIETIC CONGENITAL, TYPE IV; BLOOD GROUP--LUTHERAN INHIBITOR; Fetal hemoglobin quantitative trait locus 6. Review status: no assertion criteria provided. Collection method: not provided. Allele origin: unknown.
Comment: anemia
ClinVar note: Converted during submission from pathogenic to Pathogenic.

NM_006563.5(KLF1):c.1012C>T (p.Pro338Ser)

Genes: KLF1 (KLF transcription factor 1; minus strand), LOC117125591 (CRISPRi-FlowFISH-validated PRDX2 and RAD23A regulatory element; plus strand). Cytogenetic location: 19p13.13.
Variant type: single nucleotide variant.
Coding change: c.1012C>T on transcript NM_006563.5 (MANE Select); coding-DNA position 1012, C replaced by T.
Protein change: p.Pro338Ser; replaces proline 338 with serine.
Molecular consequence: missense variant.
Genome position (GRCh38, 1-based): chr19:12,884,962, G>A on the plus strand (C>T on the coding strand, the complement: KLF1 is on the minus strand). VCF-style: chr19-12884962-G-A. GRCh37 (hg19) VCF-style: chr19-12995776-G-A.
Other names: short protein forms P338S.
Identifiers: ClinVar variation 56892 (VCV000056892.2), dbSNP rs387907599, ClinGen allele CA144519.